The following is an entry in ClinVar:

ClinVar aggregate classification (germline): Likely benign. Review status: criteria provided, multiple submitters, no conflicts (2 of 4 stars). 2 submissions from 2 submitters: Likely benign (2). Last evaluated 2026-03-01.

Allele frequency attached by ClinVar (database versions not stated): 1000 Genomes Project 30x 0.00016; gnomAD 0.00052; ESP Exome Variant Server 0.00055; gnomAD exomes 0.00058; TOPMed 0.00070; ExAC 0.00105.
gnomAD v4.1: 931 of 1,584,402 alleles (0.059%); highest among the groups gnomAD compares: Middle Eastern, 0.39%; 4 homozygotes.

Submissions (2):

CeGaT Center for Human Genetics Tuebingen
Classification: Likely benign. Last evaluated: 2026-03-01. Review status: criteria provided, single submitter. Criteria: CeGaT Center For Human Genetics Tuebingen Variant Classification Criteria Version 2. Collection method: clinical testing. Allele origin: germline. Affected: yes. Observed: 1 variant allele.
Comment: DSTYK: BP4, BS1

Labcorp Genetics (formerly Invitae), Labcorp
Classification: Likely benign. Last evaluated: 2025-12-28. Review status: criteria provided, single submitter. Criteria: Invitae Variant Classification Sherloc (09022015). Collection method: clinical testing. Allele origin: germline.

NM_015375.3(DSTYK):c.60C>G (p.Gly20=)

Gene: DSTYK (dual serine/threonine and tyrosine protein kinase; minus strand). Cytogenetic location: 1q32.1.
Variant type: single nucleotide variant.
Coding change: c.60C>G on transcript NM_015375.3 (MANE Select); coding-DNA position 60, C replaced by G.
Protein change: p.Gly20=; no amino-acid change (glycine 20 retained).
Molecular consequence: synonymous variant.
Genome position (GRCh38, 1-based): chr1:205,211,476, G>C on the plus strand (C>G on the coding strand, the complement: DSTYK is on the minus strand). VCF-style: chr1-205211476-G-C. GRCh37 (hg19) VCF-style: chr1-205180604-G-C.
Other names: c.60C>G, p.Gly20= (NM_199462.3).
Identifiers: ClinVar variation 2056160 (VCV002056160.8), dbSNP rs373353993, ClinGen allele CA1353141.